The following is an entry in ClinVar:

NM_000059.4(BRCA2):c.2244C>G (p.Tyr748Ter)

Gene: BRCA2 (BRCA2 DNA repair associated; plus strand). Cytogenetic location: 13q13.1.
Variant type: single nucleotide variant.
Coding change: c.2244C>G on transcript NM_000059.4 (MANE Select); coding-DNA position 2244, C replaced by G.
Protein change: p.Tyr748Ter; replaces tyrosine 748 with a stop codon.
Molecular consequence: nonsense.
Genome position (GRCh38, 1-based): chr13:32,336,599, C>G. VCF-style: chr13-32336599-C-G. GRCh37 (hg19) VCF-style: chr13-32910736-C-G.
Other names: short protein forms Y748*.
Identifiers: ClinVar variation 483024 (VCV000483024.17), dbSNP rs1555282563, ClinGen allele CA387770853.

ClinVar aggregate classification (germline): Pathogenic. Review status: criteria provided, multiple submitters, no conflicts (2 of 4 stars). 3 submissions from 3 submitters: Pathogenic (3). Last evaluated 2025-05-05.

Conditions:
Hereditary cancer-predisposing syndrome. Also called: Neoplastic Syndromes, Hereditary; Tumor predisposition; Hereditary Cancer Syndrome; Hereditary neoplastic syndrome. Identifiers: Orphanet 140162, MedGen C0027672, MeSH D009386, MONDO:0015356.
Hereditary breast ovarian cancer syndrome. Also called: Hereditary breast and ovarian cancer syndrome; Hereditary breast and ovarian cancer; Hereditary breast and ovarian cancer syndrome (HBOC); Breast and ovarian cancer; Hereditary breast and/or ovarian cancer syndrome; BRCA1- and BRCA2-Associated Hereditary Breast and Ovarian Cancer. Identifiers: Orphanet 145, MedGen C0677776, MeSH D061325, MONDO:0003582. Disease mechanism: loss of function.

Submissions (3):

Labcorp Genetics (formerly Invitae), Labcorp
Classification: Pathogenic for Hereditary breast ovarian cancer syndrome. Last evaluated: 2025-05-05. Review status: criteria provided, single submitter. Criteria: Invitae Variant Classification Sherloc (09022015). Collection method: clinical testing. Allele origin: germline.
Comment: This sequence change creates a premature translational stop signal (p.Tyr748*) in the BRCA2 gene. It is expected to result in an absent or disrupted protein product. Loss-of-function variants in BRCA2 are known to be pathogenic (PMID: 20104584). This variant is not present in population databases (gnomAD no frequency). This premature translational stop signal has been observed in individual(s) with breast and/or ovarian cancer (PMID: 30702160). ClinVar contains an entry for this variant (Variation ID: 483024). For these reasons, this variant has been classified as Pathogenic.

Quest Diagnostics Nichols Institute San Juan Capistrano
Classification: Pathogenic. Last evaluated: 2023-11-14. Review status: criteria provided, single submitter. Criteria: Quest Diagnostics criteria. Collection method: clinical testing. Allele origin: unknown.
Comment: The BRCA2 c.2244C>G (p.Tyr748*) variant causes the premature termination of BRCA2 protein synthesis. This variant has been reported in the published literature in individuals with breast cancer (PMID: 30702160 (2019)), ovarian cancer (PMID: 28888541 (2017)), and pancreatic cancer (PMID: 36717774 (2023)). This variant has not been reported in large, multi-ethnic general populations (Genome Aggregation Database). Based on the available information, this variant is classified as pathogenic.

Ambry Genetics
Classification: Pathogenic for Hereditary cancer-predisposing syndrome. Last evaluated: 2017-07-27. Review status: criteria provided, single submitter. Criteria: Ambry Variant Classification Scheme 2023. Collection method: clinical testing. Allele origin: germline.
Comment: The p.Y748* pathogenic mutation (also known as c.2244C>G), located in coding exon 10 of the BRCA2 gene, results from a C to G substitution at nucleotide position 2244. This changes the amino acid from a tyrosine to a stop codon within coding exon 10. This alteration is expected to result in loss of function by premature protein truncation or nonsense-mediated mRNA decay. As such, this alteration is interpreted as a disease-causing mutation.

Literature cited by the submitters: PubMed 20104584 (cited by Labcorp Genetics (formerly Invitae), Labcorp); PubMed 30702160 (cited by Labcorp Genetics (formerly Invitae), Labcorp and Quest Diagnostics Nichols Institute San Juan Capistrano); PubMed 28888541 (cited by Quest Diagnostics Nichols Institute San Juan Capistrano); PubMed 36717774 (cited by Quest Diagnostics Nichols Institute San Juan Capistrano); PubMed 37310942 (cited by Quest Diagnostics Nichols Institute San Juan Capistrano).